The following is an entry in ClinVar:

NM_001256789.3(CACNA1F):c.4150G>A (p.Gly1384Arg)

Gene: CACNA1F (calcium voltage-gated channel subunit alpha1 F; minus strand). Cytogenetic location: Xp11.23.
Variant type: single nucleotide variant.
Coding change: c.4150G>A on transcript NM_001256789.3 (MANE Select); coding-DNA position 4150, G replaced by A.
Protein change: p.Gly1384Arg; replaces glycine 1384 with arginine.
Molecular consequence: missense variant.
Genome position (GRCh38, 1-based): chrX:49,211,432, C>T on the plus strand (G>A on the coding strand, the complement: CACNA1F is on the minus strand). VCF-style: chrX-49211432-C-T. GRCh37 (hg19) VCF-style: chrX-49067892-C-T.
Other names: c.3988G>A, p.Gly1330Arg (NM_001256790.3); c.4183G>A, p.Gly1395Arg (NM_005183.4); short protein forms G1395R, G1330R, G1384R.
Identifiers: ClinVar variation 969082 (VCV000969082.13), dbSNP rs370863603, ClinGen allele CA10410253.

ClinVar aggregate classification (germline): Conflicting classifications of pathogenicity. Review status: criteria provided, conflicting classifications (1 of 4 stars). 3 submissions from 3 submitters: Uncertain significance (2); Likely benign (1). Last evaluated 2024-02-06.

Allele frequency attached by ClinVar (database versions not stated): gnomAD exomes 0.00001 and 0.00002; gnomAD 0.00002 and 0.00003; ExAC 0.00005; ESP Exome Variant Server 0.00009; TOPMed 0.00009.
gnomAD v4.1: 17 of 1,208,568 alleles (0.0014%); highest among the groups gnomAD compares: South Asian, 0.0088%; no homozygotes.

Submissions (4):

Labcorp Genetics (formerly Invitae), Labcorp
Classification: Uncertain significance. Last evaluated: 2024-02-06. Review status: criteria provided, single submitter. Criteria: Invitae Variant Classification Sherloc (09022015). Collection method: clinical testing. Allele origin: germline.
Comment: This sequence change replaces glycine, which is neutral and non-polar, with arginine, which is basic and polar, at codon 1395 of the CACNA1F protein (p.Gly1395Arg). This variant is present in population databases (rs370863603, gnomAD 0.02%). This variant has not been reported in the literature in individuals affected with CACNA1F-related conditions. ClinVar contains an entry for this variant (Variation ID: 969082). Advanced modeling of protein sequence and biophysical properties (such as structural, functional, and spatial information, amino acid conservation, physicochemical variation, residue mobility, and thermodynamic stability) performed at Invitae indicates that this missense variant is not expected to disrupt CACNA1F protein function with a negative predictive value of 80%. In summary, the available evidence is currently insufficient to determine the role of this variant in disease. Therefore, it has been classified as a Variant of Uncertain Significance.

Blueprint Genetics
Classification: Likely benign. Last evaluated: 2022-10-28. Review status: criteria provided, single submitter. Criteria: ACMG Guidelines, 2015. Collection method: clinical testing. Allele origin: germline.

Breakthrough Genomics
Classification: Uncertain significance. Review status: criteria provided, single submitter. Criteria: ACMG Guidelines, 2015. Collection method: not provided. Allele origin: germline. Inheritance: X-linked inheritance. Affected: yes.

Dr. Peter K. Rogan Lab, Western University
No classification provided (evidence only). Condition: Adrenocortical carcinoma, hereditary. Review status: no classification provided. Collection method: in vitro. Allele origin: not applicable. Functional consequence: retained intron. Not counted in ClinVar's aggregate classification.